The following is an entry in ClinVar:

ClinVar aggregate classification (germline): Uncertain significance (1 of 4 stars; one submission).

Submission:

Labcorp Genetics (formerly Invitae), Labcorp
Classification: Uncertain significance. Last evaluated: 2022-06-10. Review status: criteria provided, single submitter. Criteria: Invitae Variant Classification Sherloc (09022015). Collection method: clinical testing. Allele origin: germline.
Comment: In summary, the available evidence is currently insufficient to determine the role of this variant in disease. Therefore, it has been classified as a Variant of Uncertain Significance. Algorithms developed to predict the effect of missense changes on protein structure and function are either unavailable or do not agree on the potential impact of this missense change (SIFT: "Tolerated"; PolyPhen-2: "Not Available"; Align-GVGD: "Class C0"). This variant has not been reported in the literature in individuals affected with CLTC-related conditions. This variant is not present in population databases (gnomAD no frequency). This sequence change replaces serine, which is neutral and polar, with asparagine, which is neutral and polar, at codon 1444 of the CLTC protein (p.Ser1444Asn).

NM_004859.4(CLTC):c.4319G>A (p.Ser1440Asn)

Genes: CLTC (clathrin heavy chain; plus strand), LOC126862609 (CDK7 strongly-dependent group 2 enhancer GRCh37_chr17:57760547-57761746; plus strand). Cytogenetic location: 17q23.1.
Variant type: single nucleotide variant.
Coding change: c.4319G>A on transcript NM_004859.4 (MANE Select); coding-DNA position 4319, G replaced by A.
Protein change: p.Ser1440Asn; replaces serine 1440 with asparagine.
Molecular consequence: missense variant.
Genome position (GRCh38, 1-based): chr17:59,683,752, G>A. VCF-style: chr17-59683752-G-A. GRCh37 (hg19) VCF-style: chr17-57761113-G-A.
Other names: c.4331G>A, p.Ser1444Asn (NM_001288653.2); short protein forms S1444N, S1440N.
Identifiers: ClinVar variation 2002387 (VCV002002387.4), dbSNP rs2509155154, ClinGen allele CA400421343.